The following is an entry in ClinVar:

ClinVar aggregate classification (germline): Likely benign. Review status: criteria provided, multiple submitters, no conflicts (2 of 4 stars). 2 submissions from 2 submitters: Likely benign (2). Last evaluated 2025-10-09.

Conditions:
Malignant hyperthermia, susceptibility to, 5 (MHS5). Also called: CACNA1S-Related Malignant Hyperthermia Susceptibility. Identifiers: Orphanet 423, MedGen C1866077, MONDO:0011163, OMIM 601887.
Hypokalemic periodic paralysis, type 1. Also called: HypoPP; Hypokalemic Periodic Paralysis Type 1 (AD). Identifiers: Orphanet 681, MedGen C3714580, MONDO:0042979, OMIM 170400.

Allele frequency attached by ClinVar (database versions not stated): TOPMed below 0.00001; gnomAD exomes 0.00001.
gnomAD v4.1: 13 of 1,614,226 alleles (0.00081%); highest among the groups gnomAD compares: Middle Eastern, 0.017%; no homozygotes.

Submissions (2):

Labcorp Genetics (formerly Invitae), Labcorp
Classification: Likely benign for Hypokalemic periodic paralysis, type 1; Malignant hyperthermia, susceptibility to, 5. Last evaluated: 2025-10-09. Review status: criteria provided, single submitter. Criteria: Invitae Variant Classification Sherloc (09022015). Collection method: clinical testing. Allele origin: germline.

All of Us Research Program, National Institutes of Health
Classification: Likely benign for Malignant hyperthermia, susceptibility to, 5. Last evaluated: 2023-05-04. Review status: criteria provided, single submitter. Criteria: ACMG Guidelines, 2015. Collection method: clinical testing. Allele origin: germline. Inheritance: Autosomal dominant inheritance. Observed: 1 variant allele, 1 heterozygote.
Comment: This study involves interpretation of variants in research participants for the purpose of population health screening. Participant phenotype was not available at the time of variant classification. Additional details can be found in publication PMID: 35346344, PMCID: PMC8962531

NM_000069.3(CACNA1S):c.1710C>T (p.Ile570=)

Gene: CACNA1S (calcium voltage-gated channel subunit alpha1 S; minus strand). Cytogenetic location: 1q32.1.
Variant type: single nucleotide variant.
Coding change: c.1710C>T on transcript NM_000069.3 (MANE Select); coding-DNA position 1710, C replaced by T.
Protein change: p.Ile570=; no amino-acid change (isoleucine 570 retained).
Molecular consequence: synonymous variant.
Genome position (GRCh38, 1-based): chr1:201,077,037, G>A on the plus strand (C>T on the coding strand, the complement: CACNA1S is on the minus strand). VCF-style: chr1-201077037-G-A. GRCh37 (hg19) VCF-style: chr1-201046165-G-A.
Identifiers: ClinVar variation 2050103 (VCV002050103.5), dbSNP rs1661650142, ClinGen allele CA422689435.